The following is an entry in ClinVar:

ClinVar aggregate classification (germline): Conflicting classifications of pathogenicity. Review status: criteria provided, conflicting classifications (1 of 4 stars). 11 submissions from 11 submitters: Uncertain significance (5); Likely benign (5). 1 of the submissions does not count toward it. Last evaluated 2026-02-03.

Conditions:
NAGLU-related disorder. Also called: NAGLU-related condition.
Charcot-Marie-Tooth disease axonal type 2V. Also called: CHARCOT-MARIE-TOOTH NEUROPATHY, TYPE 2V; CHARCOT-MARIE-TOOTH DISEASE, AXONAL, AUTOSOMAL DOMINANT, TYPE 2V. Identifiers: Orphanet 447964, MedGen C5569050, MONDO:0014665, OMIM 616491.
Mucopolysaccharidosis, MPS-III-B (MPS3B). Also called: MUCOPOLYSACCHARIDOSIS, TYPE IIIB; MPS III B; Mucopolysaccharidosis type IIIB (Sanfilippo B); MPS IIIB (Sanfilippo Syndrome Type B); N-ACETYL-ALPHA-D-GLUCOSAMINIDASE DEFICIENCY; NAGLU DEFICIENCY. Identifiers: Orphanet 79270, MedGen C0086648, MONDO:0009656, OMIM 252920.
Inborn genetic diseases. Identifiers: MedGen C0950123, MeSH D030342.
Intellectual disability. Also called: Intellectual functioning disability; intellectual disabilities; Intellectual developmental disorder. Identifiers: MedGen C3714756, MeSH D008607, MONDO:0001071, HP:0001249.

Allele frequency attached by ClinVar (database versions not stated): 1000 Genomes Project 30x 0.00031; 1000 Genomes Project 0.00040; gnomAD exomes 0.00074; TOPMed 0.00079; gnomAD 0.00084 and 0.00087; ExAC 0.00109; ESP Exome Variant Server 0.00123.
gnomAD v4.1: 1,644 of 1,597,670 alleles (0.1%); highest among the groups gnomAD compares: Non-Finnish European, 0.13%; 3 homozygotes.

Submissions (11):

Labcorp Genetics (formerly Invitae), Labcorp
Classification: Likely benign for Charcot-Marie-Tooth disease axonal type 2V; Mucopolysaccharidosis, MPS-III-B. Last evaluated: 2026-02-03. Review status: criteria provided, single submitter. Criteria: Invitae Variant Classification Sherloc (09022015). Collection method: clinical testing. Allele origin: germline.

Mayo Clinic Laboratories, Mayo Clinic
Classification: Likely benign. Last evaluated: 2025-05-27. Review status: criteria provided, single submitter. Criteria: ACMG Guidelines, 2015. Collection method: clinical testing. Allele origin: germline. Observed: 5 variant alleles.
Comment: BS1, BS2, BP4

PreventionGenetics, part of Exact Sciences
Classification: Likely benign for NAGLU-related condition. Last evaluated: 2025-05-12. Review status: criteria provided, single submitter. Criteria: ACMG Guidelines, 2015. Collection method: clinical testing. Allele origin: germline.
Comment: This variant is classified as likely benign based on ACMG/AMP sequence variant interpretation guidelines (Richards et al. 2015 PMID: 25741868, with internal and published modifications).

Ambry Genetics
Classification: Likely benign for Inborn genetic diseases. Last evaluated: 2025-02-27. Review status: criteria provided, single submitter. Criteria: Ambry Variant Classification Scheme 2023. Collection method: clinical testing. Allele origin: germline.

Blueprint Genetics
Classification: Likely benign. Last evaluated: 2024-11-25. Review status: criteria provided, single submitter. Criteria: ACMG Guidelines, 2015. Collection method: clinical testing. Allele origin: germline.

CeGaT Center for Human Genetics Tuebingen
Classification: Uncertain significance. Last evaluated: 2023-03-01. Review status: criteria provided, single submitter. Criteria: CeGaT Center For Human Genetics Tuebingen Variant Classification Criteria Version 2. Collection method: clinical testing. Allele origin: germline. Affected: yes. Observed: 3 variant alleles.

GeneDx
Classification: Uncertain significance. Last evaluated: 2020-11-04. Review status: criteria provided, single submitter. Criteria: GeneDx Variant Classification Process June 2021. Collection method: clinical testing. Allele origin: germline. Affected: yes.
Comment: Has not been previously published as pathogenic or benign to our knowledge; In silico analysis supports that this missense variant does not alter protein structure/function

Fulgent Genetics
Classification: Uncertain significance for Mucopolysaccharidosis, MPS-III-B; Charcot-Marie-Tooth disease axonal type 2V. Last evaluated: 2018-10-31. Review status: criteria provided, single submitter. Criteria: ACMG Guidelines, 2015. Collection method: clinical testing. Allele origin: unknown.

Illumina Laboratory Services, Illumina
Classification: Uncertain significance for Mucopolysaccharidosis, MPS-III-B. Last evaluated: 2018-01-12. Review status: criteria provided, single submitter. Criteria: ICSL Variant Classification Criteria 13 December 2019. Collection method: clinical testing. Allele origin: germline.

Eurofins Ntd Llc (ga)
Classification: Uncertain significance. Last evaluated: 2016-08-24. Review status: criteria provided, single submitter. Criteria: EGL Classification Definitions 2015. Collection method: clinical testing. Allele origin: germline. Observed: 1 variant allele, 1 heterozygote.

Centre de Biologie Pathologie Génétique, Centre Hospitalier Universitaire de Lille
Classification: Uncertain significance for Intellectual disability. Last evaluated: 2019-01-01. Review status: no assertion criteria provided. Collection method: clinical testing. Allele origin: unknown. Affected: yes. Not counted in ClinVar's aggregate classification.

Literature cited by the submitters: PubMed 34190362 (cited by Mayo Clinic Laboratories, Mayo Clinic).

NM_000263.4(NAGLU):c.1438G>A (p.Ala480Thr)

Gene: NAGLU (N-acetyl-alpha-glucosaminidase; plus strand). Cytogenetic location: 17q21.2.
Variant type: single nucleotide variant.
Coding change: c.1438G>A on transcript NM_000263.4 (MANE Select); coding-DNA position 1438, G replaced by A.
Protein change: p.Ala480Thr; replaces alanine 480 with threonine.
Molecular consequence: missense variant.
Genome position (GRCh38, 1-based): chr17:42,543,444, G>A. VCF-style: chr17-42543444-G-A. GRCh37 (hg19) VCF-style: chr17-40695462-G-A.
Other names: short protein forms A480T.
Identifiers: ClinVar variation 290578 (VCV000290578.69), dbSNP rs147293270, ClinGen allele CA8577019.